The following is an entry in ClinVar:

NM_001039591.3(USP9X):c.7507C>T (p.Pro2503Ser)

Gene: USP9X (ubiquitin specific peptidase 9 X-linked; plus strand). Cytogenetic location: Xp11.4.
Variant type: single nucleotide variant.
Coding change: c.7507C>T on transcript NM_001039591.3 (MANE Select); coding-DNA position 7507, C replaced by T.
Protein change: p.Pro2503Ser; replaces proline 2503 with serine.
Molecular consequence: missense variant.
Genome position (GRCh38, 1-based): chrX:41,230,576, C>T. VCF-style: chrX-41230576-C-T. GRCh37 (hg19) VCF-style: chrX-41089829-C-T.
Other names: c.7555C>T, p.Pro2519Ser (NM_001039590.3); c.7570C>T, p.Pro2524Ser (NM_001410748.1); c.7522C>T, p.Pro2508Ser (NM_001410749.1); short protein forms P2508S, P2503S, P2519S, P2524S.
Identifiers: ClinVar variation 2888456 (VCV002888456.4), dbSNP rs988049460, ClinGen allele CA328996796.
Genomic context (GRCh38, chrX:41,230,576, plus strand): 5'-GATGCTCCAGATGAACATGAGTCGCCTCCACCTGAAGATGCCCCATTGTACCCCCATTCA[C>T]CTGGATCTCAGTATCAACAGGTAAACAGGAGTCAGTTTATGCTTTTATCCCCTAGAACTG-3'
Protein context (NP_001034680.2, residues 2493-2513): PEDAPLYPHS[Pro2503Ser]GSQYQQNNHV

ClinVar aggregate classification (germline): Uncertain significance. Review status: criteria provided, multiple submitters, no conflicts (2 of 4 stars). 2 submissions from 2 submitters: Uncertain significance (2). Last evaluated 2024-05-28.

Conditions:
Intellectual developmental disorder, X-linked 99, syndromic, female-restricted. Also called: Intellectual disability, X-linked 99, syndromic, female-restricted. Identifiers: MedGen C4225416, MONDO:0010502, OMIM 300968.

Allele frequency attached by ClinVar (database versions not stated): gnomAD exomes 0.00001; TOPMed 0.00001.
gnomAD v4.1: 15 of 1,210,035 alleles (0.0012%); highest among the groups gnomAD compares: South Asian, 0.0035%; no homozygotes.

Submissions (2):

Clinical Genomics Laboratory, Washington University in St. Louis
Classification: Uncertain significance for Intellectual developmental disorder, X-linked 99, syndromic, female-restricted. Last evaluated: 2024-05-28. Review status: criteria provided, single submitter. Criteria: ACMG Guidelines, 2015. Collection method: clinical testing. Allele origin: germline.
Comment: The USP9X c.7507C>T (p.Pro2503Ser) variant, to our knowledge, has not been reported in the medical literature. This variant is absent from the general population (gnomAD v.2.1.1), indicating it is not a common variant. Computational predictors are uncertain as to the impact of this variant on USP9X function. This variant has been reported in the ClinVar database as a germline variant of uncertain significance by one submitter. Due to limited information, and based on ACMG/AMP guidelines for variant interpretation (Richards S et al., PMID: 25741868), the clinical significance of this variant is uncertain at this time.

Labcorp Genetics (formerly Invitae), Labcorp
Classification: Uncertain significance. Last evaluated: 2023-11-15. Review status: criteria provided, single submitter. Criteria: Invitae Variant Classification Sherloc (09022015). Collection method: clinical testing. Allele origin: germline.
Comment: This sequence change replaces proline, which is neutral and non-polar, with serine, which is neutral and polar, at codon 2519 of the USP9X protein (p.Pro2519Ser). This variant is not present in population databases (gnomAD no frequency). This variant has not been reported in the literature in individuals affected with USP9X-related conditions. An algorithm developed to predict the effect of missense changes on protein structure and function (PolyPhen-2) suggests that this variant is likely to be tolerated. In summary, the available evidence is currently insufficient to determine the role of this variant in disease. Therefore, it has been classified as a Variant of Uncertain Significance.